The following is an entry in ClinVar:

ClinVar aggregate classification (germline): Uncertain significance. Review status: criteria provided, single submitter (1 of 4 stars). 2 submissions from 2 submitters: Uncertain significance (1). 1 of the submissions does not count toward it. Last evaluated 2023-07-08.

Conditions:
Hyperkalemic periodic paralysis. Also called: Familial hyperkalemic periodic paralysis; Gamstorp disease. Identifiers: Orphanet 682, MedGen C0238357, MONDO:0008224, OMIM 170500, HP:0007215.

Allele frequency attached by ClinVar (database versions not stated): gnomAD exomes below 0.00001.
gnomAD v4.1: 3 of 1,479,634 alleles (0.0002%); highest among the groups gnomAD compares: Non-Finnish European, 0.000092%; no homozygotes.

Submissions (2):

Labcorp Genetics (formerly Invitae), Labcorp
Classification: Uncertain significance for Hyperkalemic periodic paralysis. Last evaluated: 2023-07-08. Review status: criteria provided, single submitter. Criteria: Invitae Variant Classification Sherloc (09022015). Collection method: clinical testing. Allele origin: germline.
Comment: In summary, the available evidence is currently insufficient to determine the role of this variant in disease. Therefore, it has been classified as a Variant of Uncertain Significance. Advanced modeling of protein sequence and biophysical properties (such as structural, functional, and spatial information, amino acid conservation, physicochemical variation, residue mobility, and thermodynamic stability) has been performed at Invitae for this missense variant, however the output from this modeling did not meet the statistical confidence thresholds required to predict the impact of this variant on SCN4A protein function. ClinVar contains an entry for this variant (Variation ID: 591721). This variant has not been reported in the literature in individuals affected with SCN4A-related conditions. This variant is not present in population databases (gnomAD no frequency). This sequence change replaces threonine, which is neutral and polar, with alanine, which is neutral and non-polar, at codon 207 of the SCN4A protein (p.Thr207Ala).

Gharavi Laboratory, Columbia University
Classification: Uncertain significance. Last evaluated: 2018-09-16. Review status: no assertion criteria provided. Criteria: ACMG Guidelines, 2015. Collection method: research. Allele origin: germline. Affected: yes. Not counted in ClinVar's aggregate classification.

NM_000334.4(SCN4A):c.619A>G (p.Thr207Ala)

Gene: SCN4A (sodium voltage-gated channel alpha subunit 4; minus strand). Cytogenetic location: 17q23.3.
Variant type: single nucleotide variant.
Coding change: c.619A>G on transcript NM_000334.4 (MANE Select); coding-DNA position 619, A replaced by G.
Protein change: p.Thr207Ala; replaces threonine 207 with alanine.
Molecular consequence: missense variant.
Genome position (GRCh38, 1-based): chr17:63,971,246, T>C on the plus strand (A>G on the coding strand, the complement: SCN4A is on the minus strand). VCF-style: chr17-63971246-T-C. GRCh37 (hg19) VCF-style: chr17-62048606-T-C.
Other names: short protein forms T207A.
Identifiers: ClinVar variation 591721 (VCV000591721.4), dbSNP rs1567829142, ClinGen allele CA400638360.